The following is an entry in ClinVar:

NM_001035.3(RYR2):c.12872T>C (p.Phe4291Ser)

Genes: RYR2 (ryanodine receptor 2; plus strand), LOC126806068 (BRD4-independent group 4 enhancer GRCh37_chr1:237947411-237948610; plus strand). Cytogenetic location: 1q43.
Variant type: single nucleotide variant.
Coding change: c.12872T>C on transcript NM_001035.3 (MANE Select); coding-DNA position 12872, T replaced by C.
Protein change: p.Phe4291Ser; replaces phenylalanine 4291 with serine.
Molecular consequence: missense variant.
Genome position (GRCh38, 1-based): chr1:237,784,584, T>C. VCF-style: chr1-237784584-T-C. GRCh37 (hg19) VCF-style: chr1-237947884-T-C.
Other names: short protein forms F4291S.
Identifiers: ClinVar variation 4800122 (VCV004800122.1).

ClinVar aggregate classification (germline): Uncertain significance (1 of 4 stars; one submission).

Conditions:
Catecholaminergic polymorphic ventricular tachycardia 1. Also called: VENTRICULAR TACHYCARDIA, STRESS-INDUCED POLYMORPHIC 1; RYR2-Related Catecholaminergic Polymorphic Ventricular Tachycardia; VENTRICULAR TACHYCARDIA, CATECHOLAMINERGIC POLYMORPHIC, 1, WITH OR WITHOUT ATRIAL DYSFUNCTION AND/OR DILATED CARDIOMYOPATHY. Identifiers: Orphanet 3286, MedGen C1631597, MONDO:0011484, OMIM 604772.

Submission:

Labcorp Genetics (formerly Invitae), Labcorp
Classification: Uncertain significance for Catecholaminergic polymorphic ventricular tachycardia 1. Last evaluated: 2025-12-03. Review status: criteria provided, single submitter. Criteria: Invitae Variant Classification Sherloc (09022015). Collection method: clinical testing. Allele origin: germline.
Comment: This sequence change replaces phenylalanine, which is neutral and non-polar, with serine, which is neutral and polar, at codon 4291 of the RYR2 protein (p.Phe4291Ser). This variant is not present in population databases (gnomAD no frequency). This variant has not been reported in the literature in individuals affected with RYR2-related conditions. Invitae Evidence Modeling of protein sequence and biophysical properties (such as structural, functional, and spatial information, amino acid conservation, physicochemical variation, residue mobility, and thermodynamic stability) indicates that this missense variant is not expected to disrupt RYR2 protein function with a negative predictive value of 95%. In summary, the available evidence is currently insufficient to determine the role of this variant in disease. Therefore, it has been classified as a Variant of Uncertain Significance.